The following is an entry in ClinVar:

ClinVar aggregate classification (germline): Pathogenic/Likely pathogenic. Review status: criteria provided, multiple submitters, no conflicts (2 of 4 stars). 3 submissions from 3 submitters: Pathogenic (1); Likely pathogenic (2). Last evaluated 2026-01-12.

Conditions:
Autosomal recessive osteopetrosis 1. Also called: ALBERS-SCHONBERG DISEASE, AUTOSOMAL RECESSIVE; TCIRG1-Related Autosomal Recessive Osteopetrosis; TCIRG1-Related Osteopetrosis. Identifiers: Orphanet 667, MedGen C1850127, MONDO:0009815, OMIM 259700.

Allele frequency attached by ClinVar (database versions not stated): TOPMed 0.00001; gnomAD 0.00001.

Submissions (3):

Natera, Inc.
Classification: Likely pathogenic for Infantile malignant osteopetrosis. Last evaluated: 2026-01-12. Review status: criteria provided, single submitter. Criteria: Natera Variant Classification Schema (03/2026). Collection method: clinical testing. Allele origin: germline.
Comment: The c.1967del variant in TCIRG1 is a frameshift variant predicted to shift the reading frame beginning at codon 656 and leads to a stop codon 31 codons downstream. This variant is expected to result in nonsense mediated decay, truncation, or a dysfunctional protein product. This variant is rare in the general population with a frequency below the threshold expected for the associated phenotype(s). Given the available evidence, this variant is classified as Likely Pathogenic.

Labcorp Genetics (formerly Invitae), Labcorp
Classification: Pathogenic. Last evaluated: 2023-09-05. Review status: criteria provided, single submitter. Criteria: Invitae Variant Classification Sherloc (09022015). Collection method: clinical testing. Allele origin: germline.
Comment: This variant has not been reported in the literature in individuals affected with TCIRG1-related conditions. For these reasons, this variant has been classified as Pathogenic. This variant is not present in population databases (gnomAD no frequency). This sequence change creates a premature translational stop signal (p.Leu656Argfs*31) in the TCIRG1 gene. It is expected to result in an absent or disrupted protein product. Loss-of-function variants in TCIRG1 are known to be pathogenic (PMID: 10888887, 10942435, 11532986, 19448635).

Baylor Genetics
Classification: Likely pathogenic for Autosomal recessive osteopetrosis 1. Last evaluated: 2023-07-03. Review status: criteria provided, single submitter. Criteria: ACMG Guidelines, 2015. Collection method: clinical testing. Allele origin: unknown.

Literature cited by the submitters: PubMed 10888887 (cited by Labcorp Genetics (formerly Invitae), Labcorp); PubMed 10942435 (cited by Labcorp Genetics (formerly Invitae), Labcorp); PubMed 11532986 (cited by Labcorp Genetics (formerly Invitae), Labcorp); PubMed 19448635 (cited by Labcorp Genetics (formerly Invitae), Labcorp).

NM_006019.4(TCIRG1):c.1967del (p.Leu656fs)

Gene: TCIRG1 (T cell immune regulator 1, ATPase H+ transporting V0 subunit a3; plus strand). Cytogenetic location: 11q13.2.
Variant type: Deletion.
Coding change: c.1967del on transcript NM_006019.4 (MANE Select); coding-DNA position 1967, one base deleted (T; older notation c.1967delT).
Protein change: p.Leu656fs; shifts the reading frame from leucine 656.
Molecular consequence: frameshift variant.
Genome position (GRCh38, 1-based): chr11:68,049,742, T deleted. VCF-style (leftmost placement, unchanged base first): chr11-68049741-CT-C. GRCh37 (hg19) VCF-style: chr11-67817208-CT-C.
Other names: c.1073del, p.Leu358fs (NM_001351059.2); c.1319del, p.Leu440fs (NM_006053.4); c.1967del (NM_006019.3); short protein forms L358fs, L440fs, L656fs.
Identifiers: ClinVar variation 2679116 (VCV002679116.5), dbSNP rs1855697254, ClinGen allele CA939091029.